The following is an entry in ClinVar:

ClinVar aggregate classification (germline): Uncertain significance (1 of 4 stars; one submission).

Submission:

Labcorp Genetics (formerly Invitae), Labcorp
Classification: Uncertain significance. Last evaluated: 2022-12-22. Review status: criteria provided, single submitter. Criteria: Invitae Variant Classification Sherloc (09022015). Collection method: clinical testing. Allele origin: germline.
Comment: This sequence change replaces methionine, which is neutral and non-polar, with valine, which is neutral and non-polar, at codon 1467 of the ADCY10 protein (p.Met1467Val). This variant is not present in population databases (gnomAD no frequency). This variant has not been reported in the literature in individuals affected with ADCY10-related conditions. Algorithms developed to predict the effect of missense changes on protein structure and function are either unavailable or do not agree on the potential impact of this missense change (SIFT: "Deleterious"; PolyPhen-2: "Benign"; Align-GVGD: "Class C0"). Algorithms developed to predict the effect of sequence changes on RNA splicing suggest that this variant may create or strengthen a splice site. In summary, the available evidence is currently insufficient to determine the role of this variant in disease. Therefore, it has been classified as a Variant of Uncertain Significance.

NM_018417.6(ADCY10):c.4399A>G (p.Met1467Val)

Gene: ADCY10 (adenylate cyclase 10; minus strand). Cytogenetic location: 1q24.2.
Variant type: single nucleotide variant.
Coding change: c.4399A>G on transcript NM_018417.6 (MANE Select); coding-DNA position 4399, A replaced by G.
Protein change: p.Met1467Val; replaces methionine 1467 with valine.
Molecular consequence: missense variant.
Genome position (GRCh38, 1-based): chr1:167,818,155, T>C on the plus strand (A>G on the coding strand, the complement: ADCY10 is on the minus strand). VCF-style: chr1-167818155-T-C. GRCh37 (hg19) VCF-style: chr1-167787393-T-C.
Other names: c.3940A>G, p.Met1314Val (NM_001167749.3); c.4123A>G, p.Met1375Val (NM_001297772.2); short protein forms M1314V, M1467V, M1375V.
Identifiers: ClinVar variation 1960557 (VCV001960557.5), dbSNP rs1662645180, ClinGen allele CA343094977.